The following is an entry in ClinVar:

NM_139343.3(BIN1):c.1371+323A>C

Gene: BIN1 (bridging integrator 1; minus strand). Cytogenetic location: 2q14.3.
Variant type: single nucleotide variant.
Coding change: c.1371+323A>C on transcript NM_139343.3 (MANE Select); 323 bases into the intron after coding-DNA position 1371, A replaced by C.
Molecular consequence: intron variant.
Genome position (GRCh38, 1-based): chr2:127,051,932, T>G on the plus strand (A>C on the coding strand, the complement: BIN1 is on the minus strand). VCF-style: chr2-127051932-T-G. GRCh37 (hg19) VCF-style: chr2-127809508-T-G.
Other names: c.1290+323A>C (NM_001320642.1); c.838-1020A>C (NM_001320634.1); c.910-1020A>C (NM_139351.3); c.910-689A>C (NM_139350.3); c.1017+323A>C (NM_139349.3); c.1039-689A>C (NM_139348.3); c.1146+323A>C (NM_139347.3); c.1278+323A>C (NM_001320641.2); and 7 more.
Identifiers: ClinVar variation 668879 (VCV000668879.1), dbSNP rs4663089, ClinGen allele CA11082040.

ClinVar aggregate classification (germline): Benign (1 of 4 stars; one submission).

Allele frequency attached by ClinVar (database versions not stated): gnomAD 0.33513 and 0.34183; TOPMed 0.34424; 1000 Genomes Project 0.38838; 1000 Genomes Project 30x 0.38913.
gnomAD v4.1: 52,139 of 151,878 alleles (34%); highest among the groups gnomAD compares: South Asian, 50%; 9,247 homozygotes.

Submission:

GeneDx
Classification: Benign. Last evaluated: 2018-06-18. Review status: criteria provided, single submitter. Criteria: GeneDx Variant Classification (06012015). Collection method: clinical testing. Allele origin: germline. Affected: yes.
Comment: This variant is considered likely benign or benign based on one or more of the following criteria: it is a conservative change, it occurs at a poorly conserved position in the protein, it is predicted to be benign by multiple in silico algorithms, and/or has population frequency not consistent with disease.